The following is an entry in ClinVar:

NM_000682.7(ADRA2B):c.649G>A (p.Glu217Lys)

Gene: ADRA2B (adrenoceptor alpha 2B; minus strand). Cytogenetic location: 2q11.2.
Variant type: single nucleotide variant.
Coding change: c.649G>A on transcript NM_000682.7 (MANE Select); coding-DNA position 649, G replaced by A.
Protein change: p.Glu217Lys; replaces glutamic acid 217 with lysine.
Molecular consequence: missense variant.
Genome position (GRCh38, 1-based): chr2:96,115,501, C>T on the plus strand (G>A on the coding strand, the complement: ADRA2B is on the minus strand). VCF-style: chr2-96115501-C-T. GRCh37 (hg19) VCF-style: chr2-96781240-C-T.
Other names: short protein forms E217K.
Identifiers: ClinVar variation 1032452 (VCV001032452.4), dbSNP rs371934652, ClinGen allele CA1775948.
Genomic context (GRCh38, chr2:96,115,501, plus strand): 5'-GGGCTGGCAGTTTGGCTGAGGCCAAAGCCCCACCATGGTCGGGTCGGGGCTGCTTGGACT[C>T]ACCCTGCCCAGGCCCCCCCTTGGCCCTGGGACCTCTGCGGTTGCTGCGTTTGGCGATCAG-3'
Protein context (NP_000673.2, residues 207-227): PRAKGGPGQG[Glu217Lys]SKQPRPDHGG

ClinVar aggregate classification (germline): Uncertain significance. Review status: criteria provided, multiple submitters, no conflicts (2 of 4 stars). 2 submissions from 2 submitters: Uncertain significance (2). Last evaluated 2022-07-21.

Conditions:
Epilepsy, familial adult myoclonic, 2 (FAME2). Also called: CORTICAL MYOCLONIC TREMOR WITH EPILEPSY, FAMILIAL, 2; BENIGN ADULT FAMILIAL MYOCLONIC EPILEPSY 2; CORTICAL MYOCLONUS AND EPILEPSY, AUTOSOMAL DOMINANT. Identifiers: Orphanet 86814, MedGen C1842852, MONDO:0011930, OMIM 607876.

Allele frequency attached by ClinVar (database versions not stated): 1000 Genomes Project 0.00020; TOPMed 0.00006; 1000 Genomes Project 30x 0.00016.

Submissions (2):

Ambry Genetics
Classification: Uncertain significance. Last evaluated: 2022-07-21. Review status: criteria provided, single submitter. Criteria: Ambry Variant Classification Scheme 2023. Collection method: clinical testing. Allele origin: germline.

Baylor Genetics
Classification: Uncertain significance for Epilepsy, familial adult myoclonic, 2. Last evaluated: 2018-06-13. Review status: criteria provided, single submitter. Criteria: ACMG Guidelines, 2015. Collection method: clinical testing. Allele origin: paternal. Affected: yes.
Comment: This variant was determined to be of uncertain significance according to ACMG Guidelines, 2015 [PMID:25741868].